The following is an entry in ClinVar:

NM_032242.4(PLXNA1):c.129C>G (p.Thr43=)

Gene: PLXNA1 (plexin A1; plus strand). Cytogenetic location: 3q21.3.
Variant type: single nucleotide variant.
Coding change: c.129C>G on transcript NM_032242.4 (MANE Select); coding-DNA position 129, C replaced by G.
Protein change: p.Thr43=; no amino-acid change (threonine 43 retained).
Molecular consequence: synonymous variant.
Genome position (GRCh38, 1-based): chr3:126,988,722, C>G. VCF-style: chr3-126988722-C-G. GRCh37 (hg19) VCF-style: chr3-126707565-C-G.
Identifiers: ClinVar variation 4983544 (VCV004983544.1).

ClinVar aggregate classification (germline): Likely benign (1 of 4 stars; one submission).

Conditions:
PLXNA1-related disorder. Also called: PLXNA1-related condition.

gnomAD v4.1: 6 of 1,579,094 alleles (0.00038%); highest among the groups gnomAD compares: Admixed American, 0.0034%; no homozygotes.

Submission:

PreventionGenetics, part of Exact Sciences
Classification: Likely benign for PLXNA1-related condition. Last evaluated: 2026-07-08. Review status: criteria provided, single submitter. Criteria: ACMG Guidelines, 2015. Collection method: clinical testing. Allele origin: germline.
Comment: This variant is classified as likely benign based on ACMG/AMP sequence variant interpretation guidelines (Richards et al. 2015 PMID: 25741868, with internal and published modifications).